The following is an entry in ClinVar:

NM_015693.4(INTU):c.287T>C (p.Ile96Thr)

Gene: INTU (inturned planar cell polarity protein; plus strand). Cytogenetic location: 4q28.1.
Variant type: single nucleotide variant.
Coding change: c.287T>C on transcript NM_015693.4 (MANE Select); coding-DNA position 287, T replaced by C.
Protein change: p.Ile96Thr; replaces isoleucine 96 with threonine.
Molecular consequence: missense variant.
Genome position (GRCh38, 1-based): chr4:127,643,661, T>C. VCF-style: chr4-127643661-T-C. GRCh37 (hg19) VCF-style: chr4-128564816-T-C.
Other names: short protein forms I96T.
Identifiers: ClinVar variation 3625309 (VCV003625309.2).

ClinVar aggregate classification (germline): Uncertain significance (1 of 4 stars; one submission).

Submission:

Labcorp Genetics (formerly Invitae), Labcorp
Classification: Uncertain significance. Last evaluated: 2024-05-04. Review status: criteria provided, single submitter. Criteria: Invitae Variant Classification Sherloc (09022015). Collection method: clinical testing. Allele origin: germline.
Comment: This sequence change replaces isoleucine, which is neutral and non-polar, with threonine, which is neutral and polar, at codon 96 of the INTU protein (p.Ile96Thr). This variant is not present in population databases (gnomAD no frequency). This variant has not been reported in the literature in individuals affected with INTU-related conditions. Advanced modeling of protein sequence and biophysical properties (such as structural, functional, and spatial information, amino acid conservation, physicochemical variation, residue mobility, and thermodynamic stability) performed at Invitae indicates that this missense variant is not expected to disrupt INTU protein function with a negative predictive value of 80%. In summary, the available evidence is currently insufficient to determine the role of this variant in disease. Therefore, it has been classified as a Variant of Uncertain Significance.